The following is an entry in ClinVar:

ClinVar aggregate classification (germline): Uncertain significance (1 of 4 stars; one submission).

Submission:

Labcorp Genetics (formerly Invitae), Labcorp
Classification: Uncertain significance. Last evaluated: 2021-09-19. Review status: criteria provided, single submitter. Criteria: Invitae Variant Classification Sherloc (09022015). Collection method: clinical testing. Allele origin: germline.
Comment: This sequence change replaces glycine with arginine at codon 138 of the KMT2A protein (p.Gly138Arg). The glycine residue is weakly conserved and there is a moderate physicochemical difference between glycine and arginine. This variant is not present in population databases (ExAC no frequency). This variant has not been reported in the literature in individuals affected with KMT2A-related conditions. Advanced modeling of protein sequence and biophysical properties (such as structural, functional, and spatial information, amino acid conservation, physicochemical variation, residue mobility, and thermodynamic stability) performed at Invitae indicates that this missense variant is not expected to disrupt KMT2A protein function. In summary, the available evidence is currently insufficient to determine the role of this variant in disease. Therefore, it has been classified as a Variant of Uncertain Significance.

NM_001197104.2(KMT2A):c.412G>C (p.Gly138Arg)

Gene: KMT2A (lysine methyltransferase 2A; plus strand). Cytogenetic location: 11q23.3.
Variant type: single nucleotide variant.
Coding change: c.412G>C on transcript NM_001197104.2 (MANE Select); coding-DNA position 412, G replaced by C.
Protein change: p.Gly138Arg; replaces glycine 138 with arginine.
Molecular consequence: missense variant.
Genome position (GRCh38, 1-based): chr11:118,436,924, G>C. VCF-style: chr11-118436924-G-C. GRCh37 (hg19) VCF-style: chr11-118307639-G-C.
Other names: c.412G>C, p.Gly138Arg (NM_005933.4); short protein forms G138R.
Identifiers: ClinVar variation 1382257 (VCV001382257.6), dbSNP rs782080138, ClinGen allele CA382798724.